The following is an entry in ClinVar:

ClinVar aggregate classification (germline): Conflicting classifications of pathogenicity. Review status: criteria provided, conflicting classifications (1 of 4 stars). 3 submissions from 3 submitters: Uncertain significance (2); Likely benign (1). Last evaluated 2023-06-22.

Conditions:
Inborn genetic diseases. Identifiers: MedGen C0950123, MeSH D030342.
Intellectual developmental disorder, autosomal dominant 1. Also called: Intellectual disability, autosomal dominant 1; MBD5 Haploinsufficiency. Identifiers: Orphanet 228402, MedGen C1969562, MONDO:0007974, OMIM 156200.

Allele frequency attached by ClinVar (database versions not stated): gnomAD exomes 0.00001 and below 0.00001.
gnomAD v4.1: 3 of 1,614,058 alleles (0.00019%); highest among the groups gnomAD compares: Admixed American, 0.005%; no homozygotes.

Submissions (3):

Labcorp Genetics (formerly Invitae), Labcorp
Classification: Uncertain significance for Intellectual developmental disorder, autosomal dominant 1. Last evaluated: 2023-06-22. Review status: criteria provided, single submitter. Criteria: Invitae Variant Classification Sherloc (09022015). Collection method: clinical testing. Allele origin: germline.
Comment: This sequence change replaces arginine, which is basic and polar, with glycine, which is neutral and non-polar, at codon 1265 of the MBD5 protein (p.Arg1265Gly). This variant is present in population databases (no rsID available, gnomAD 0.003%). This variant has not been reported in the literature in individuals affected with MBD5-related conditions. ClinVar contains an entry for this variant (Variation ID: 522071). Experimental studies and prediction algorithms are not available or were not evaluated, and the functional significance of this variant is currently unknown. In summary, the available evidence is currently insufficient to determine the role of this variant in disease. Therefore, it has been classified as a Variant of Uncertain Significance.

Ambry Genetics
Classification: Uncertain significance for Inborn genetic diseases. Last evaluated: 2022-02-08. Review status: criteria provided, single submitter. Criteria: Ambry Variant Classification Scheme 2023. Collection method: clinical testing. Allele origin: germline.
Comment: The c.3793A>G (p.R1265G) alteration is located in exon 12 (coding exon 7) of the MBD5 gene. This alteration results from an A to G substitution at nucleotide position 3793, causing the arginine (R) at amino acid position 1265 to be replaced by a glycine (G). This allele was reported in one heterozygous individual in population-based cohorts in the Genome Aggregation Database (gnomAD). This amino acid position is well conserved in available vertebrate species. The in silico prediction for this alteration is inconclusive. Based on insufficient or conflicting evidence, the clinical significance of this alteration remains unclear.

GeneDx
Classification: Likely benign. Last evaluated: 2021-05-12. Review status: criteria provided, single submitter. Criteria: GeneDx Variant Classification Process June 2021. Collection method: clinical testing. Allele origin: germline. Affected: yes.

NM_001378120.1(MBD5):c.4492A>G (p.Arg1498Gly)

Gene: MBD5 (methyl-CpG binding domain protein 5; plus strand). Cytogenetic location: 2q23.1.
Variant type: single nucleotide variant.
Coding change: c.4492A>G on transcript NM_001378120.1 (MANE Select); coding-DNA position 4492, A replaced by G.
Protein change: p.Arg1498Gly; replaces arginine 1498 with glycine.
Molecular consequence: missense variant.
Genome position (GRCh38, 1-based): chr2:148,490,124, A>G. VCF-style: chr2-148490124-A-G. GRCh37 (hg19) VCF-style: chr2-149247693-A-G.
Other names: c.3793A>G, p.Arg1265Gly (NM_018328.5); short protein forms R1265G, R1498G.
Identifiers: ClinVar variation 522071 (VCV000522071.10), dbSNP rs1165120864, ClinGen allele CA348729374.
Genomic context (GRCh38, chr2:148,490,124, plus strand): 5'-CACCCAATACTGTTACCACCAAGAAACTGTCCAGGGGATAAAATTCTAGAGGAAAATTTC[A>G]GGTATAATAACTACAAAAGAACTATGATGAGTTTTAAGGAGAGACTAGAGAACACTGTGG-3'
Protein context (NP_001365049.1, residues 1488-1508): PGDKILEENF[Arg1498Gly]YNNYKRTMMS